The following is an entry in ClinVar:

ClinVar aggregate classification (germline): Uncertain significance (1 of 4 stars; one submission).

Submission:

Labcorp Genetics (formerly Invitae), Labcorp
Classification: Uncertain significance. Last evaluated: 2025-07-01. Review status: criteria provided, single submitter. Criteria: Invitae Variant Classification Sherloc (09022015). Collection method: clinical testing. Allele origin: germline.
Comment: This variant, c.6636_6638del, results in the deletion of 1 amino acid(s) of the KMT2A protein (p.Ile2212del), but otherwise preserves the integrity of the reading frame. This variant is not present in population databases (gnomAD no frequency). This variant has not been reported in the literature in individuals affected with KMT2A-related conditions. ClinVar contains an entry for this variant (Variation ID: 2019215). Experimental studies and prediction algorithms are not available or were not evaluated, and the functional significance of this variant is currently unknown. In summary, the available evidence is currently insufficient to determine the role of this variant in disease. Therefore, it has been classified as a Variant of Uncertain Significance.

NM_001197104.2(KMT2A):c.6636_6638del (p.Ile2212del)

Gene: KMT2A (lysine methyltransferase 2A; plus strand). Cytogenetic location: 11q23.3.
Variant type: Deletion.
Coding change: c.6636_6638del on transcript NM_001197104.2 (MANE Select); coding-DNA positions 6636 to 6638, 3 bases deleted (AAT; older notation c.6636_6638delAAT).
Protein change: p.Ile2212del; deletes isoleucine 2212.
Molecular consequence: inframe deletion. On other transcripts: inframe indel (1).
Genome position (GRCh38, 1-based): chr11:118,502,528-118,502,530, AAT deleted; deleting any 3 consecutive bases within chr11:118,502,526-118,502,530 gives the same sequence; the c. name uses the placement nearest the transcript's 3' end. VCF-style (leftmost placement, unchanged base first): chr11-118502525-GATA-G. GRCh37 (hg19) VCF-style: chr11-118373240-GATA-G.
Other names: c.6726_6728delAAT, p.Ile2242del (NM_001412597.1); c.6627_6629del, p.Ile2209del (NM_005933.4); short protein forms I2209del, I2242del, I2212del.
Identifiers: ClinVar variation 2019215 (VCV002019215.4), dbSNP rs1950516324, ClinGen allele CA2580083597.